The following is an entry in ClinVar:

ClinVar aggregate classification (germline): Conflicting classifications of pathogenicity. Review status: criteria provided, conflicting classifications (1 of 4 stars). 2 submissions from 2 submitters: Uncertain significance (1); Likely benign (1). Last evaluated 2025-04-18.

Conditions:
Hereditary cancer-predisposing syndrome. Also called: Hereditary Cancer Syndrome; Hereditary neoplastic syndrome; Neoplastic Syndromes, Hereditary; Tumor predisposition. Identifiers: Orphanet 140162, MedGen C0027672, MeSH D009386, MONDO:0015356.

Allele frequency attached by ClinVar (database versions not stated): gnomAD 0.00001; gnomAD exomes 0.00001; ExAC 0.00002; TOPMed 0.00004.
gnomAD v4.1: 4 of 1,613,566 alleles (0.00025%); highest among the groups gnomAD compares: Admixed American, 0.005%; no homozygotes.

Submissions (2):

Ambry Genetics
Classification: Likely benign for Hereditary cancer-predisposing syndrome. Last evaluated: 2025-04-18. Review status: criteria provided, single submitter. Criteria: Ambry Variant Classification Scheme 2023. Collection method: clinical testing. Allele origin: germline.

Labcorp Genetics (formerly Invitae), Labcorp
Classification: Uncertain significance. Last evaluated: 2025-01-26. Review status: criteria provided, single submitter. Criteria: Invitae Variant Classification Sherloc (09022015). Collection method: clinical testing. Allele origin: germline.
Comment: This sequence change replaces isoleucine, which is neutral and non-polar, with valine, which is neutral and non-polar, at codon 1326 of the POLE protein (p.Ile1326Val). This variant is present in population databases (rs557996561, gnomAD 0.009%). This variant has not been reported in the literature in individuals affected with POLE-related conditions. ClinVar contains an entry for this variant (Variation ID: 405744). Invitae Evidence Modeling of protein sequence and biophysical properties (such as structural, functional, and spatial information, amino acid conservation, physicochemical variation, residue mobility, and thermodynamic stability) indicates that this missense variant is not expected to disrupt POLE protein function with a negative predictive value of 80%. In summary, the available evidence is currently insufficient to determine the role of this variant in disease. Therefore, it has been classified as a Variant of Uncertain Significance.

NM_006231.4(POLE):c.3976A>G (p.Ile1326Val)

Gene: POLE (DNA polymerase epsilon, catalytic subunit; minus strand). Cytogenetic location: 12q24.33.
Variant type: single nucleotide variant.
Coding change: c.3976A>G on transcript NM_006231.4 (MANE Select); coding-DNA position 3976, A replaced by G.
Protein change: p.Ile1326Val; replaces isoleucine 1326 with valine.
Molecular consequence: missense variant.
Genome position (GRCh38, 1-based): chr12:132,649,335, T>C on the plus strand (A>G on the coding strand, the complement: POLE is on the minus strand). VCF-style: chr12-132649335-T-C. GRCh37 (hg19) VCF-style: chr12-133225921-T-C.
Other names: c.3976A>G (NM_006231.2); short protein forms I1326V.
Identifiers: ClinVar variation 405744 (VCV000405744.9), dbSNP rs557996561, ClinGen allele CA6893040.